The following is an entry in ClinVar:

NM_000288.4(PEX7):c.115C>A (p.His39Asn)

Gene: PEX7 (peroxisomal biogenesis factor 7; plus strand). Cytogenetic location: 6q23.3.
Variant type: single nucleotide variant.
Coding change: c.115C>A on transcript NM_000288.4 (MANE Select); coding-DNA position 115, C replaced by A.
Protein change: p.His39Asn; replaces histidine 39 with asparagine.
Molecular consequence: missense variant.
Genome position (GRCh38, 1-based): chr6:136,822,780, C>A. VCF-style: chr6-136822780-C-A. GRCh37 (hg19) VCF-style: chr6-137143918-C-A.
Other names: short protein forms H39N.
Identifiers: ClinVar variation 1013882 (VCV001013882.7), dbSNP rs1316023843, ClinGen allele CA365855418.
Genomic context (GRCh38, chr6:136,822,780, plus strand): 5'-GGCTACGCCGCCGAGTTCTCCCCGTACCTGCCGGGCCGCCTGGCCTGCGCCACCGCGCAG[C>A]ACTACGGCATCGCGGGTGAGGCGGCGCCGCGCAGCTGGGGCCGGGGGGCGGAGGCGGAGG-3'
Protein context (NP_000279.1, residues 29-49): PGRLACATAQ[His39Asn]YGIAGCGTLL

ClinVar aggregate classification (germline): Uncertain significance. Review status: criteria provided, single submitter (1 of 4 stars). 2 submissions from 2 submitters: Uncertain significance (1). 1 of the submissions does not count toward it. Last evaluated 2022-02-05.

Conditions:
Rhizomelic chondrodysplasia punctata (RCDP). Identifiers: Orphanet 177, MedGen C0282529, MONDO:0015776. Disease mechanism: loss of function.
Peroxisome biogenesis disorder 9B. Also called: PEROXISOME BIOGENESIS DISORDER, PEX7-RELATED, ATYPICAL; PEX7-Related Refsum Disease; Refsum disease, adult, 2. Identifiers: Orphanet 773, MedGen C2749346, MONDO:0013945, OMIM 614879.

Allele frequency attached by ClinVar (database versions not stated): gnomAD 0.00001.
gnomAD v4.1: 4 of 1,392,732 alleles (0.00029%); highest among the groups gnomAD compares: East Asian, 0.012%; no homozygotes.

Submissions (2):

Labcorp Genetics (formerly Invitae), Labcorp
Classification: Uncertain significance for Peroxisome biogenesis disorder 9B. Last evaluated: 2022-02-05. Review status: criteria provided, single submitter. Criteria: Invitae Variant Classification Sherloc (09022015). Collection method: clinical testing. Allele origin: germline.
Comment: This sequence change replaces histidine, which is basic and polar, with asparagine, which is neutral and polar, at codon 39 of the PEX7 protein (p.His39Asn). This variant is not present in population databases (gnomAD no frequency). This variant has not been reported in the literature in individuals affected with PEX7-related conditions. ClinVar contains an entry for this variant (Variation ID: 1013882). Algorithms developed to predict the effect of missense changes on protein structure and function (SIFT, PolyPhen-2, Align-GVGD) all suggest that this variant is likely to be tolerated. In summary, the available evidence is currently insufficient to determine the role of this variant in disease. Therefore, it has been classified as a Variant of Uncertain Significance.

Natera, Inc.
Classification: Uncertain significance for Rhizomelic Chondrodysplasia Punctata. Last evaluated: 2021-01-25. Review status: no assertion criteria provided. Collection method: clinical testing. Allele origin: germline. Not counted in ClinVar's aggregate classification.